The following is an entry in ClinVar:

NM_021167.5(GATAD1):c.452T>C (p.Ile151Thr)

Gene: GATAD1 (GATA zinc finger domain containing 1; plus strand). Cytogenetic location: 7q21.2.
Variant type: single nucleotide variant.
Coding change: c.452T>C on transcript NM_021167.5 (MANE Select); coding-DNA position 452, T replaced by C.
Protein change: p.Ile151Thr; replaces isoleucine 151 with threonine.
Molecular consequence: missense variant. On other transcripts: non-coding transcript variant (1).
Genome position (GRCh38, 1-based): chr7:92,454,518, T>C. VCF-style: chr7-92454518-T-C. GRCh37 (hg19) VCF-style: chr7-92083832-T-C.
Other names: short protein forms I151T.
Identifiers: ClinVar variation 4028559 (VCV004028559.1).

ClinVar aggregate classification (germline): Uncertain significance (1 of 4 stars; one submission).

Conditions:
Cardiovascular phenotype. Identifiers: MedGen CN230736.

gnomAD v4.1: 2 of 1,610,546 alleles (0.00012%); highest among the groups gnomAD compares: Non-Finnish European, 0.00017%; no homozygotes.

Submission:

Ambry Genetics
Classification: Uncertain significance for Cardiovascular phenotype. Last evaluated: 2025-05-02. Review status: criteria provided, single submitter. Criteria: Ambry Variant Classification Scheme 2023. Collection method: clinical testing. Allele origin: germline.
Comment: The p.I151T variant (also known as c.452T>C), located in coding exon 4 of the GATAD1 gene, results from a T to C substitution at nucleotide position 452. The isoleucine at codon 151 is replaced by threonine, an amino acid with similar properties. This amino acid position is conserved. In addition, the in silico prediction for this alteration is inconclusive. Based on the available evidence, the clinical significance of this variant remains unclear.